The following is an entry in ClinVar:

ClinVar aggregate classification (germline): Benign/Likely benign. Review status: criteria provided, multiple submitters, no conflicts (2 of 4 stars). 3 submissions from 3 submitters: Benign (1); Likely benign (2). Last evaluated 2026-03-03.

Conditions:
CFP-related disorder. Also called: CFP-related condition.

Allele frequency attached by ClinVar (database versions not stated): gnomAD exomes 0.00012; ExAC 0.00016; ESP Exome Variant Server 0.00076.
gnomAD v4.1: 85 of 1,207,111 alleles (0.007%); highest among the groups gnomAD compares: African/African-American, 0.15%; no homozygotes.

Submissions (3):

PreventionGenetics, part of Exact Sciences
Classification: Likely benign for CFP-related condition. Last evaluated: 2026-03-03. Review status: criteria provided, single submitter. Criteria: ACMG Guidelines, 2015. Collection method: clinical testing. Allele origin: germline.
Comment: This variant is classified as likely benign based on ACMG/AMP sequence variant interpretation guidelines (Richards et al. 2015 PMID: 25741868, with internal and published modifications).

Labcorp Genetics (formerly Invitae), Labcorp
Classification: Benign. Last evaluated: 2025-08-18. Review status: criteria provided, single submitter. Criteria: Invitae Variant Classification Sherloc (09022015). Collection method: clinical testing. Allele origin: germline.

Blueprint Genetics
Classification: Likely benign. Last evaluated: 2022-07-25. Review status: criteria provided, single submitter. Criteria: ACMG Guidelines, 2015. Collection method: clinical testing. Allele origin: germline.

NM_001145252.3(CFP):c.1332G>T (p.Gly444=)

Gene: CFP (complement factor properdin; minus strand). Cytogenetic location: Xp11.23.
Variant type: single nucleotide variant.
Coding change: c.1332G>T on transcript NM_001145252.3 (MANE Select); coding-DNA position 1332, G replaced by T.
Protein change: p.Gly444=; no amino-acid change (glycine 444 retained).
Molecular consequence: synonymous variant.
Genome position (GRCh38, 1-based): chrX:47,624,353, C>A on the plus strand (G>T on the coding strand, the complement: CFP is on the minus strand). VCF-style: chrX-47624353-C-A. GRCh37 (hg19) VCF-style: chrX-47483752-C-A.
Other names: c.1332G>T, p.Gly444= (NM_002621.2).
Identifiers: ClinVar variation 1164838 (VCV001164838.11), dbSNP rs141133000, ClinGen allele CA10398811.
Genomic context (GRCh38, chrX:47,624,353, plus strand): 5'-AGGGTCTTTGCAAGCAGGCACGTGTAGACATGGTCGTTTCTCCTCCACCACCAGCTTCTG[C>A]CCTTGTAGCTCCTCACACCGTGGCAGCGGTCTCCCCCAGAAGGTCACGTTCTTCTCGCCC-3'
Protein context (NP_001138724.1, residues 434-454): RPLPRCEELQ[Gly444=]QKLVVEEKRP